The following is an entry in ClinVar:

NM_001365536.1(SCN9A):c.748A>G (p.Ile250Val)

Gene: SCN9A (sodium voltage-gated channel alpha subunit 9; minus strand). Cytogenetic location: 2q24.3.
Variant type: single nucleotide variant.
Coding change: c.748A>G on transcript NM_001365536.1 (MANE Select); coding-DNA position 748, A replaced by G.
Protein change: p.Ile250Val; replaces isoleucine 250 with valine.
Molecular consequence: missense variant.
Genome position (GRCh38, 1-based): chr2:166,303,243, T>C on the plus strand (A>G on the coding strand, the complement: SCN9A is on the minus strand). VCF-style: chr2-166303243-T-C. GRCh37 (hg19) VCF-style: chr2-167159753-T-C.
Other names: c.748A>G, p.Ile250Val (NM_002977.4); short protein forms I250V.
Identifiers: ClinVar variation 836587 (VCV000836587.10), dbSNP rs915276163, ClinGen allele CA59808672.

ClinVar aggregate classification (germline): Uncertain significance (1 of 4 stars; one submission).

Conditions:
Generalized epilepsy with febrile seizures plus, type 7 (GEFSP7). Also called: GEFS+, TYPE 7. Identifiers: Orphanet 36387, MedGen C2751778, MONDO:0013470, OMIM 613863.
Neuropathy, hereditary sensory and autonomic, type 2A (HSAN2A). Also called: MORVAN DISEASE; NEUROPATHY, CONGENITAL SENSORY; NEUROPATHY, HEREDITARY SENSORY RADICULAR, AUTOSOMAL RECESSIVE; NEUROPATHY, HEREDITARY SENSORY, TYPE IIA; NEUROPATHY, PROGRESSIVE SENSORY, OF CHILDREN; WNK1-Related HSAN2 (HSAN2A). Identifiers: Orphanet 970, MedGen C2752089, MONDO:0024309, OMIM 201300.

Allele frequency attached by ClinVar (database versions not stated): gnomAD exomes below 0.00001; gnomAD 0.00001; TOPMed 0.00003.

Submission:

Labcorp Genetics (formerly Invitae), Labcorp
Classification: Uncertain significance for Neuropathy, hereditary sensory and autonomic, type 2A; Generalized epilepsy with febrile seizures plus, type 7. Last evaluated: 2024-07-03. Review status: criteria provided, single submitter. Criteria: Invitae Variant Classification Sherloc (09022015). Collection method: clinical testing. Allele origin: germline.
Comment: This sequence change replaces isoleucine, which is neutral and non-polar, with valine, which is neutral and non-polar, at codon 250 of the SCN9A protein (p.Ile250Val). This variant is present in population databases (no rsID available, gnomAD 0.01%). This variant has not been reported in the literature in individuals affected with SCN9A-related conditions. ClinVar contains an entry for this variant (Variation ID: 836587). Advanced modeling of protein sequence and biophysical properties (such as structural, functional, and spatial information, amino acid conservation, physicochemical variation, residue mobility, and thermodynamic stability) performed at Invitae indicates that this missense variant is not expected to disrupt SCN9A protein function with a negative predictive value of 95%. In summary, the available evidence is currently insufficient to determine the role of this variant in disease. Therefore, it has been classified as a Variant of Uncertain Significance.